The following is an entry in ClinVar:

ClinVar aggregate classification (germline): Benign. Review status: criteria provided, multiple submitters, no conflicts (2 of 4 stars). 2 submissions from 2 submitters: Benign (2). Last evaluated 2018-06-14.

Allele frequency attached by ClinVar (database versions not stated): gnomAD 0.29685 and 0.29858; TOPMed 0.31605; 1000 Genomes Project 0.37540.
gnomAD v4.1: 44,136 of 148,384 alleles (30%); highest among the groups gnomAD compares: African/African-American, 49%; 7,960 homozygotes.

Submissions (2):

GeneDx
Classification: Benign. Last evaluated: 2018-06-14. Review status: criteria provided, single submitter. Criteria: GeneDx Variant Classification (06012015). Collection method: clinical testing. Allele origin: germline. Affected: yes.
Comment: This variant is considered likely benign or benign based on one or more of the following criteria: it is a conservative change, it occurs at a poorly conserved position in the protein, it is predicted to be benign by multiple in silico algorithms, and/or has population frequency not consistent with disease.

Breakthrough Genomics
Classification: Benign. Review status: criteria provided, single submitter. Criteria: ACMG Guidelines, 2015. Collection method: not provided. Allele origin: germline. Inheritance: Autosomal recessive inheritance. Affected: yes.

NM_001080449.3(DNA2):c.1220+162C>A

Gene: DNA2 (DNA replication helicase/nuclease 2; minus strand). Cytogenetic location: 10q21.3.
Variant type: single nucleotide variant.
Coding change: c.1220+162C>A on transcript NM_001080449.3 (MANE Select); 162 bases into the intron after coding-DNA position 1220, C replaced by A.
Molecular consequence: intron variant.
Genome position (GRCh38, 1-based): chr10:68,444,759, G>T on the plus strand (C>A on the coding strand, the complement: DNA2 is on the minus strand). VCF-style: chr10-68444759-G-T. GRCh37 (hg19) VCF-style: chr10-70204516-G-T.
Identifiers: ClinVar variation 669718 (VCV000669718.2), dbSNP rs4237318, ClinGen allele CA13245827.